The following is an entry in ClinVar:

ClinVar aggregate classification (germline): Uncertain significance (1 of 4 stars; one submission).

Conditions:
Epidermolysis bullosa simplex with nail dystrophy (EBS5D). Identifiers: MedGen C4225309, MONDO:0014661, OMIM 616487.
Epidermolysis bullosa simplex, Ogna type (EBS5A). Also called: EPIDERMOLYSIS BULLOSA SIMPLEX 5A, OGNA TYPE; Pidermolysis bullosa simplex 5A, Ogna type. Identifiers: Orphanet 79401, MedGen C0432317, MONDO:0007555, OMIM 131950.
Epidermolysis bullosa simplex 5C, with pyloric atresia (EBS5C). Also called: PLEC1-Related Epidermolysis Bullosa with Pyloric Atresia; PLEC-Related Epidermolysis Bullosa with Pyloric Atresia; Epidermolysis bullosa simplex with pyloric atresia. Identifiers: Orphanet 158684, MedGen C2677349, MONDO:0012807, OMIM 612138.
Autosomal recessive limb-girdle muscular dystrophy type 2Q (LGMDR17). Also called: MUSCULAR DYSTROPHY, LIMB-GIRDLE, AUTOSOMAL RECESSIVE 17. Identifiers: Orphanet 254361, MedGen C3150989, MONDO:0013390, OMIM 613723.
Epidermolysis bullosa simplex 5B, with muscular dystrophy (EBS5B). Also called: EPIDERMOLYSIS BULLOSA SIMPLEX AND LIMB-GIRDLE MUSCULAR DYSTROPHY; Epidermolysis bullosa simplex with muscular dystrophy. Identifiers: Orphanet 257, MedGen C2931072, MONDO:0009181, OMIM 226670.

Submission:

Labcorp Genetics (formerly Invitae), Labcorp
Classification: Uncertain significance for Autosomal recessive limb-girdle muscular dystrophy type 2Q; Epidermolysis bullosa simplex, Ogna type; Epidermolysis bullosa simplex with nail dystrophy; Epidermolysis bullosa simplex 5C, with pyloric atresia; Epidermolysis bullosa simplex 5B, with muscular dystrophy. Last evaluated: 2022-12-13. Review status: criteria provided, single submitter. Criteria: Invitae Variant Classification Sherloc (09022015). Collection method: clinical testing. Allele origin: germline.
Comment: This variant, c.10183_10185del, results in the deletion of 1 amino acid(s) of the PLEC protein (p.Lys3395del), but otherwise preserves the integrity of the reading frame. This variant is present in population databases (rs782549522, gnomAD 0.006%). This variant has not been reported in the literature in individuals affected with PLEC-related conditions. Experimental studies and prediction algorithms are not available or were not evaluated, and the functional significance of this variant is currently unknown. In summary, the available evidence is currently insufficient to determine the role of this variant in disease. Therefore, it has been classified as a Variant of Uncertain Significance.

NM_201384.3(PLEC):c.10102_10104del (p.Lys3368del)

Gene: PLEC (plectin; minus strand). Cytogenetic location: 8q24.3.
Variant type: Deletion.
Coding change: c.10102_10104del on transcript NM_201384.3 (MANE Select); coding-DNA positions 10102 to 10104, 3 bases deleted (AAG; older notation c.10102_10104delAAG).
Protein change: p.Lys3368del; deletes lysine 3368.
Molecular consequence: inframe deletion.
Genome position (GRCh38, 1-based): chr8:143,919,717-143,919,719, CTT deleted on the plus strand (AAG on the coding strand, the reverse complement: PLEC is on the minus strand); deleting any 3 consecutive bases within chr8:143,919,717-143,919,721 gives the same sequence; the c. name uses the placement nearest the transcript's 3' end. VCF-style (leftmost placement, unchanged base first): chr8-143919716-CCTT-C. GRCh37 (hg19) VCF-style: chr8-144993884-CCTT-C.
Other names: c.10183_10185del, p.Lys3395del (NM_000445.5); c.6802_6804del, p.Lys2268del (NM_001410941.1); c.10060_10062del, p.Lys3354del (NM_201378.4); c.10036_10038del, p.Lys3346del (NM_201379.3); c.10513_10515del, p.Lys3505del (NM_201380.4); c.10006_10008del, p.Lys3336del (NM_201381.3); c.10102_10104del, p.Lys3368del (NM_201382.4); c.10114_10116del, p.Lys3372del (NM_201383.3); short protein forms K2268del, K3346del, K3368del, K3395del, K3336del, K3372del, K3505del, K3354del.
Identifiers: ClinVar variation 2924101 (VCV002924101.3), dbSNP rs782549522, ClinGen allele CA4924752.